The following is an entry in ClinVar:

NM_001029.5(RPS26):c.-31C>T

Gene: RPS26 (ribosomal protein S26; plus strand). Cytogenetic location: 12q13.2.
Variant type: single nucleotide variant.
Coding change: c.-31C>T on transcript NM_001029.5 (MANE Select); 31 bases upstream of the start codon, C replaced by T.
Molecular consequence: 5 prime UTR variant.
Genome position (GRCh38, 1-based): chr12:56,042,136, C>T. VCF-style: chr12-56042136-C-T. GRCh37 (hg19) VCF-style: chr12-56435920-C-T.
Identifiers: ClinVar variation 883077 (VCV000883077.4), dbSNP rs17118262, ClinGen allele CA6621623.

ClinVar aggregate classification (germline): Likely benign (1 of 4 stars; one submission).

Conditions:
Diamond-Blackfan anemia 10 (DBA10). Also called: RPS26-Related Diamond-Blackfan Anemia. Identifiers: Orphanet 124, MedGen C2750080, MONDO:0013217, OMIM 613309.

gnomAD v4.1: 524 of 1,613,730 alleles (0.032%); highest among the groups gnomAD compares: Non-Finnish European, 0.042%; no homozygotes.

Submission:

Illumina Laboratory Services, Illumina
Classification: Likely benign for Diamond-Blackfan anemia 10. Last evaluated: 2018-01-13. Review status: criteria provided, single submitter. Criteria: ICSL Variant Classification Criteria 13 December 2019. Collection method: clinical testing. Allele origin: germline.
Comment: This variant was observed in the ICSL laboratory as part of a predisposition screen in an ostensibly healthy population. It had not been previously curated by ICSL or reported in the Human Gene Mutation Database (HGMD: prior to June 1st, 2018), and was therefore a candidate for classification through an automated scoring system. Utilizing variant allele frequency, disease prevalence and penetrance estimates, and inheritance mode, an automated score was calculated to assess if this variant is too frequent to cause the disease. Based on the score and internal cut-off values, a variant classified as likely benign is not then subjected to further curation. The score for this variant resulted in a classification of likely benign for this disease.